The following is an entry in ClinVar:

NM_182493.3(MYLK3):c.2404C>T (p.His802Tyr)

Gene: MYLK3 (myosin light chain kinase 3; minus strand). Cytogenetic location: 16q11.2.
Variant type: single nucleotide variant.
Coding change: c.2404C>T on transcript NM_182493.3 (MANE Select); coding-DNA position 2404, C replaced by T.
Protein change: p.His802Tyr; replaces histidine 802 with tyrosine.
Molecular consequence: missense variant.
Genome position (GRCh38, 1-based): chr16:46,707,760, G>A on the plus strand (C>T on the coding strand, the complement: MYLK3 is on the minus strand). VCF-style: chr16-46707760-G-A. GRCh37 (hg19) VCF-style: chr16-46741672-G-A.
Other names: c.1381C>T, p.His461Tyr (NM_001308301.1); short protein forms H461Y, H802Y.
Identifiers: ClinVar variation 2987281 (VCV002987281.3), dbSNP rs1464405842, ClinGen allele CA395785413.
Genomic context (GRCh38, chr16:46,707,760, plus strand): 5'-AAGATTAGGGAGAAGTTGGAAATTTCCTTAACCTGTTGGCAGCAGTCACCACATAGAAAT[G>A]TTTCTTGAGGCAAGGAGAGAATAAAAGAAAAGAAAAAGCATGTATTTTAGACCAGTTGCC-3'
Protein context (NP_872299.2, residues 792-812): KYIAQRKWKK[His802Tyr]FYVVTAANRL

ClinVar aggregate classification (germline): Uncertain significance (1 of 4 stars; one submission).

Allele frequency attached by ClinVar (database versions not stated): gnomAD exomes below 0.00001.

Submission:

Labcorp Genetics (formerly Invitae), Labcorp
Classification: Uncertain significance. Last evaluated: 2025-01-19. Review status: criteria provided, single submitter. Criteria: Invitae Variant Classification Sherloc (09022015). Collection method: clinical testing. Allele origin: germline.
Comment: This sequence change replaces histidine, which is basic and polar, with tyrosine, which is neutral and polar, at codon 802 of the MYLK3 protein (p.His802Tyr). This variant is present in population databases (no rsID available, gnomAD 0.006%). This variant has not been reported in the literature in individuals affected with MYLK3-related conditions. ClinVar contains an entry for this variant (Variation ID: 2987281). An algorithm developed to predict the effect of missense changes on protein structure and function (PolyPhen-2) suggests that this variant is likely to be disruptive. In summary, the available evidence is currently insufficient to determine the role of this variant in disease. Therefore, it has been classified as a Variant of Uncertain Significance.